The following is an entry in ClinVar:

ClinVar aggregate classification (germline): Uncertain significance (1 of 4 stars; one submission).

gnomAD v4.1: 1 of 1,607,140 alleles (0.000062%); highest among the groups gnomAD compares: Non-Finnish European, 0.000085%; no homozygotes.

Submission:

Labcorp Genetics (formerly Invitae), Labcorp
Classification: Uncertain significance. Last evaluated: 2026-01-24. Review status: criteria provided, single submitter. Criteria: Invitae Variant Classification Sherloc (09022015). Collection method: clinical testing. Allele origin: germline.
Comment: This sequence change replaces alanine, which is neutral and non-polar, with valine, which is neutral and non-polar, at codon 28 of the NCSTN protein (p.Ala28Val). This variant is not present in population databases (gnomAD no frequency). This variant has not been reported in the literature in individuals affected with NCSTN-related conditions. An algorithm developed to predict the effect of missense changes on protein structure and function (PolyPhen-2) suggests that this variant is likely to be tolerated. Algorithms developed to predict the effect of sequence changes on RNA splicing suggest that this variant may disrupt the consensus splice site. In summary, the available evidence is currently insufficient to determine the role of this variant in disease. Therefore, it has been classified as a Variant of Uncertain Significance.

NM_015331.3(NCSTN):c.83C>T (p.Ala28Val)

Gene: NCSTN (nicastrin; plus strand). Cytogenetic location: 1q23.2.
Variant type: single nucleotide variant.
Coding change: c.83C>T on transcript NM_015331.3 (MANE Select); coding-DNA position 83, C replaced by T.
Protein change: p.Ala28Val; replaces alanine 28 with valine.
Molecular consequence: missense variant. On other transcripts: 5 prime UTR variant (1).
Genome position (GRCh38, 1-based): chr1:160,343,479, C>T. VCF-style: chr1-160343479-C-T. GRCh37 (hg19) VCF-style: chr1-160313269-C-T.
Other names: c.-117C>T (NM_001290184.2); c.83C>T, p.Ala28Val (NM_001290186.2, NM_001349729.2); short protein forms A28V.
Identifiers: ClinVar variation 4712173 (VCV004712173.1).